The following is an entry in ClinVar:

ClinVar aggregate classification (germline): Uncertain significance (1 of 4 stars; one submission).

Conditions:
Fanconi anemia complementation group J. Also called: BRIP1-Related Fanconi Anemia. Identifiers: Orphanet 84, MedGen C1836860, MONDO:0012187, OMIM 609054.
Familial cancer of breast. Also called: BREAST CANCER, FAMILIAL; Hereditary breast cancer; hereditary breast carcinoma. Identifiers: Orphanet 227535, MedGen C0346153, MONDO:0016419, OMIM 114480. Disease mechanism: loss of function.

Submission:

Labcorp Genetics (formerly Invitae), Labcorp
Classification: Uncertain significance for Familial cancer of breast; Fanconi anemia complementation group J. Last evaluated: 2023-09-03. Review status: criteria provided, single submitter. Criteria: Invitae Variant Classification Sherloc (09022015). Collection method: clinical testing. Allele origin: germline.
Comment: This sequence change replaces glutamic acid, which is acidic and polar, with lysine, which is basic and polar, at codon 454 of the BRIP1 protein (p.Glu454Lys). This variant is not present in population databases (gnomAD no frequency). This variant has not been reported in the literature in individuals affected with BRIP1-related conditions. Advanced modeling of protein sequence and biophysical properties (such as structural, functional, and spatial information, amino acid conservation, physicochemical variation, residue mobility, and thermodynamic stability) performed at Invitae indicates that this missense variant is not expected to disrupt BRIP1 protein function. In summary, the available evidence is currently insufficient to determine the role of this variant in disease. Therefore, it has been classified as a Variant of Uncertain Significance.

NM_032043.3(BRIP1):c.1360G>A (p.Glu454Lys)

Gene: BRIP1 (BRCA1 interacting DNA helicase 1; minus strand). Cytogenetic location: 17q23.2.
Variant type: single nucleotide variant.
Coding change: c.1360G>A on transcript NM_032043.3 (MANE Select); coding-DNA position 1360, G replaced by A.
Protein change: p.Glu454Lys; replaces glutamic acid 454 with lysine.
Molecular consequence: missense variant.
Genome position (GRCh38, 1-based): chr17:61,793,710, C>T on the plus strand (G>A on the coding strand, the complement: BRIP1 is on the minus strand). VCF-style: chr17-61793710-C-T. GRCh37 (hg19) VCF-style: chr17-59871071-C-T.
Other names: short protein forms E454K.
Identifiers: ClinVar variation 2935725 (VCV002935725.3), dbSNP rs1555605955, ClinGen allele CA400482284.